The following is an entry in ClinVar:

ClinVar aggregate classification (germline): Uncertain significance (1 of 4 stars; one submission).

Allele frequency attached by ClinVar (database versions not stated): gnomAD exomes below 0.00001; gnomAD 0.00001; TOPMed 0.00001.
gnomAD v4.1: 3 of 1,603,990 alleles (0.00019%); highest among the groups gnomAD compares: Admixed American, 0.0034%; no homozygotes.

Submission:

Labcorp Genetics (formerly Invitae), Labcorp
Classification: Uncertain significance. Last evaluated: 2022-04-29. Review status: criteria provided, single submitter. Criteria: Invitae Variant Classification Sherloc (09022015). Collection method: clinical testing. Allele origin: germline.
Comment: This sequence change replaces proline, which is neutral and non-polar, with leucine, which is neutral and non-polar, at codon 24 of the SNAP29 protein (p.Pro24Leu). The frequency data for this variant in the population databases is considered unreliable, as metrics indicate poor data quality at this position in the gnomAD database. This variant has not been reported in the literature in individuals affected with SNAP29-related conditions. Algorithms developed to predict the effect of missense changes on protein structure and function are either unavailable or do not agree on the potential impact of this missense change (SIFT: "Deleterious"; PolyPhen-2: "Benign"; Align-GVGD: "Class C0"). In summary, the available evidence is currently insufficient to determine the role of this variant in disease. Therefore, it has been classified as a Variant of Uncertain Significance.

NM_004782.4(SNAP29):c.71C>T (p.Pro24Leu)

Gene: SNAP29 (synaptosome associated protein 29; plus strand). Cytogenetic location: 22q11.21.
Variant type: single nucleotide variant.
Coding change: c.71C>T on transcript NM_004782.4 (MANE Select); coding-DNA position 71, C replaced by T.
Protein change: p.Pro24Leu; replaces proline 24 with leucine.
Molecular consequence: missense variant.
Genome position (GRCh38, 1-based): chr22:20,859,181, C>T. VCF-style: chr22-20859181-C-T. GRCh37 (hg19) VCF-style: chr22-21213469-C-T.
Other names: short protein forms P24L.
Identifiers: ClinVar variation 1930218 (VCV001930218.2), dbSNP rs1268251164, ClinGen allele CA410772331.